The following is an entry in ClinVar:

ClinVar aggregate classification (germline): Uncertain significance (1 of 4 stars; one submission).

Submission:

Ambry Genetics
Classification: Uncertain significance. Last evaluated: 2023-02-06. Review status: criteria provided, single submitter. Criteria: Ambry Variant Classification Scheme 2023. Collection method: clinical testing. Allele origin: germline.
Comment: The p.N403K variant (also known as c.1209C>A), located in coding exon 13 of the NPAT gene, results from a C to A substitution at nucleotide position 1209. The asparagine at codon 403 is replaced by lysine, an amino acid with similar properties. This amino acid position is conserved. In addition, this alteration is predicted to be tolerated by in silico analysis. Since supporting evidence is limited at this time, the clinical significance of this alteration remains unclear.

NM_002519.3(NPAT):c.1209C>A (p.Asn403Lys)

Gene: NPAT (nuclear protein, coactivator of histone transcription; minus strand). Cytogenetic location: 11q22.3.
Variant type: single nucleotide variant.
Coding change: c.1209C>A on transcript NM_002519.3 (MANE Select); coding-DNA position 1209, C replaced by A.
Protein change: p.Asn403Lys; replaces asparagine 403 with lysine.
Molecular consequence: missense variant.
Genome position (GRCh38, 1-based): chr11:108,173,775, G>T on the plus strand (C>A on the coding strand, the complement: NPAT is on the minus strand). VCF-style: chr11-108173775-G-T. GRCh37 (hg19) VCF-style: chr11-108044502-G-T.
Other names: c.1209C>A, p.Asn403Lys (NM_001321307.1); short protein forms N403K.
Identifiers: ClinVar variation 2453789 (VCV002453789.2), dbSNP rs2077978949, ClinGen allele CA382516013.